The following is an entry in ClinVar:

ClinVar aggregate classification (germline): Likely benign. Review status: criteria provided, single submitter (1 of 4 stars). 2 submissions from 2 submitters: Likely benign (1). 1 of the submissions does not count toward it. Last evaluated 2024-11-13.

Conditions:
TBL1X-related disorder. Also called: TBL1X-related condition.

Allele frequency attached by ClinVar (database versions not stated): gnomAD 0.00004; TOPMed 0.00006; ESP Exome Variant Server 0.00009; gnomAD exomes 0.00013; ExAC 0.00014.
gnomAD v4.1: 140 of 1,208,265 alleles (0.012%); highest among the groups gnomAD compares: Non-Finnish European, 0.015%; no homozygotes.

Submissions (2):

Blueprint Genetics
Classification: Likely benign. Last evaluated: 2024-11-13. Review status: criteria provided, single submitter. Criteria: ACMG Guidelines, 2015. Collection method: clinical testing. Allele origin: germline.

PreventionGenetics, part of Exact Sciences
Classification: Likely benign for TBL1X-related condition. Last evaluated: 2019-05-24. Review status: no assertion criteria provided. Collection method: clinical testing. Allele origin: germline. Not counted in ClinVar's aggregate classification.
Comment: This variant is classified as likely benign based on ACMG/AMP sequence variant interpretation guidelines (Richards et al. 2015 PMID: 25741868, with internal and published modifications).

NM_005647.4(TBL1X):c.126C>T (p.Asn42=)

Gene: TBL1X (transducin beta like 1 X-linked; plus strand). Cytogenetic location: Xp22.2.
Variant type: single nucleotide variant.
Coding change: c.126C>T on transcript NM_005647.4 (MANE Select); coding-DNA position 126, C replaced by T.
Protein change: p.Asn42=; no amino-acid change (asparagine 42 retained).
Molecular consequence: synonymous variant. On other transcripts: 5 prime UTR variant (2).
Genome position (GRCh38, 1-based): chrX:9,654,237, C>T. VCF-style: chrX-9654237-C-T. GRCh37 (hg19) VCF-style: chrX-9622277-C-T.
Other names: c.126C>T, p.Asn42= (NM_001139466.1); c.-28C>T (NM_001139467.1, NM_001139468.1).
Identifiers: ClinVar variation 3039411 (VCV003039411.3), dbSNP rs142075238, ClinGen allele CA10344416.
Genomic context (GRCh38, chrX:9,654,237, plus strand): 5'-CAAGCAGTGTTTCAAAACTCTCTTCTCTTTTTGAACAGAGGGTGGTTCCCACTTCATCAA[C>T]ACCTCATCGCCGCGAGGTGAGGCTAAGATGAGCATAACCAGTGACGAGGTGAACTTTCTG-3'
Protein context (NP_005638.1, residues 32-52): RGREGGSHFI[Asn42=]TSSPRGEAKM